The following is an entry in ClinVar:

NM_033026.6(PCLO):c.6492G>C (p.Leu2164Phe)

Gene: PCLO (piccolo presynaptic cytomatrix protein; minus strand). Cytogenetic location: 7q21.11.
Variant type: single nucleotide variant.
Coding change: c.6492G>C on transcript NM_033026.6 (MANE Select); coding-DNA position 6492, G replaced by C.
Protein change: p.Leu2164Phe; replaces leucine 2164 with phenylalanine.
Molecular consequence: missense variant.
Genome position (GRCh38, 1-based): chr7:82,954,461, C>G on the plus strand (G>C on the coding strand, the complement: PCLO is on the minus strand). VCF-style: chr7-82954461-C-G. GRCh37 (hg19) VCF-style: chr7-82583777-C-G.
Other names: c.6492G>C (NM_033026.5); c.6492G>C, p.Leu2164Phe (NM_014510.3); short protein forms L2164F.
Identifiers: ClinVar variation 1525249 (VCV001525249.4), dbSNP rs1795454396, ClinGen allele CA367919258.
Genomic context (GRCh38, chr7:82,954,461, plus strand): 5'-GAGAGAAGGTGTGTCAGAGGGTGGGACAGATGTAGCACTTTCTGAAGGCTCCGAGTAGGT[C>G]AAAATCAGCGATTCATGGGCAATTATCTCTTGAATTTCTCTTGTATAATCGGTTACATAT-3'
Protein context (NP_149015.2, residues 2154-2174): QEIIAHESLI[Leu2164Phe]TYSEPSESAT

ClinVar aggregate classification (germline): Uncertain significance. Review status: criteria provided, multiple submitters, no conflicts (2 of 4 stars). 2 submissions from 2 submitters: Uncertain significance (2). Last evaluated 2025-02-12.

Allele frequency attached by ClinVar (database versions not stated): gnomAD exomes 0.00002; TOPMed 0.00001.
gnomAD v4.1: 34 of 1,613,902 alleles (0.0021%); highest among the groups gnomAD compares: Non-Finnish European, 0.0028%; no homozygotes.

Submissions (2):

GeneDx
Classification: Uncertain significance. Last evaluated: 2025-02-12. Review status: criteria provided, single submitter. Criteria: GeneDx Variant Classification Process June 2021. Collection method: clinical testing. Allele origin: germline. Affected: yes.
Comment: Not observed at significant frequency in large population cohorts (gnomAD); In silico analysis indicates that this missense variant does not alter protein structure/function; Has not been previously published as pathogenic or benign to our knowledge; Variants in candidate genes are classified as variants of uncertain significance in accordance with ACMG guidelines (PMID: 25741868)

Labcorp Genetics (formerly Invitae), Labcorp
Classification: Uncertain significance. Last evaluated: 2022-07-23. Review status: criteria provided, single submitter. Criteria: Invitae Variant Classification Sherloc (09022015). Collection method: clinical testing. Allele origin: germline.
Comment: This sequence change replaces leucine, which is neutral and non-polar, with phenylalanine, which is neutral and non-polar, at codon 2164 of the PCLO protein (p.Leu2164Phe). This variant is not present in population databases (gnomAD no frequency). This variant has not been reported in the literature in individuals affected with PCLO-related conditions. ClinVar contains an entry for this variant (Variation ID: 1525249). Algorithms developed to predict the effect of missense changes on protein structure and function are either unavailable or do not agree on the potential impact of this missense change (SIFT: "Tolerated"; PolyPhen-2: "Not Available"; Align-GVGD: "Class C0"). In summary, the available evidence is currently insufficient to determine the role of this variant in disease. Therefore, it has been classified as a Variant of Uncertain Significance.